The following is an entry in ClinVar:

NM_000169.3(GLA):c.369+4_369+5del

Genes: GLA (galactosidase alpha; minus strand), RPL36A-HNRNPH2 (RPL36A-HNRNPH2 readthrough; plus strand). Cytogenetic location: Xq22.1.
Variant type: Deletion.
Coding change: c.369+4_369+5del on transcript NM_000169.3 (MANE Select); bases 4 to 5 of the intron after coding-DNA position 369, 2 bases deleted (AG; older notation c.369+4_369+5delAG).
Molecular consequence: intron variant.
Genome position (GRCh38, 1-based): chrX:101,403,806-101,403,807, CT deleted on the plus strand (AG on the coding strand, the reverse complement: GLA is on the minus strand); deleting any 2 consecutive bases within chrX:101,403,806-101,403,808 gives the same sequence; the c. name uses the placement nearest the transcript's 3' end. VCF-style (leftmost placement, unchanged base first): chrX-101403805-ACT-A. GRCh37 (hg19) VCF-style: chrX-100658793-ACT-A.
Other names: c.301-8129_301-8128del (NM_001199973.2); c.178-8129_178-8128del (NM_001199974.2); c.492+4_492+5del (NM_001406747.1, NM_001406749.1); c.369+4_369+5del (NM_001406748.1).
Identifiers: ClinVar variation 4087097 (VCV004087097.2).
Genomic context (GRCh38, chrX:101,403,805, plus strand): 5'-AACAAGCTTCTGTACAGAAGTGCTTACAGTCCTCTGAATGAACAAGAACATTATCTATAA[ACT>A]CACATAATTAGCTAGCTGGCGAATCCCATGAGGAAAGCGCTGAGGGTCTGCCTGAAGTCT-3'

ClinVar aggregate classification (germline): Uncertain significance (1 of 4 stars; one submission).

Conditions:
Fabry disease. Also called: ALPHA-GALACTOSIDASE A DEFICIENCY; ANDERSON-FABRY DISEASE; CERAMIDE TRIHEXOSIDASE DEFICIENCY; GLA DEFICIENCY; HEREDITARY DYSTOPIC LIPIDOSIS; Angiokeratoma corporis diffusum. Identifiers: Orphanet 324, MedGen C0002986, MONDO:0010526, OMIM 301500, HP:0001071. Disease mechanism: Fabry disease is due to inactivating mutations in the X-linked GLA gene resulting in deficiency of the enzyme Alpha Galactosidase-A., loss of function.

Submission:

Genomenon, Inc
Classification: Uncertain significance for Fabry disease. Last evaluated: 2026-09-08. Review status: criteria provided, single submitter. Criteria: Genomenon Sequence Variant Interpretation Standards - Updated. Collection method: curation. Allele origin: germline. Affected: yes.
Comment: GLA c.369+4_369+5del is a deletion variant that affects the donor splice region of intron 2. This variant has been observed in at least one proband with clinical features consistent with Fabry disease (PMID:28736719). It is absent or not present at a significant frequency in gnomAD. In silico models predict that this variant is possibly or probably damaging. In conclusion, we classify GLA c.369+4_369+5del as a variant of uncertain significance.

Literature cited by the submitters: PubMed 28736719.